The following is an entry in ClinVar:

NM_000228.3(LAMB3):c.463dup (p.Ser155fs)

Gene: LAMB3 (laminin subunit beta 3; minus strand). Cytogenetic location: 1q32.2.
Variant type: Duplication.
Coding change: c.463dup on transcript NM_000228.3 (MANE Select); coding-DNA position 463, one base duplicated (T; older notation c.463dupT).
Protein change: p.Ser155fs; shifts the reading frame from serine 155.
Molecular consequence: frameshift variant.
Genome position (GRCh38, 1-based): chr1:209,634,548, A duplicated on the plus strand (T on the coding strand, the reverse complement: LAMB3 is on the minus strand). VCF-style (leftmost placement, unchanged base first): chr1-209634547-G-GA. GRCh37 (hg19) VCF-style: chr1-209807892-G-GA.
Other names: c.463dup (NM_000228.2); c.463dup, p.Ser155fs (NM_001017402.2, NM_001127641.1); short protein forms S155fs.
Identifiers: ClinVar variation 188937 (VCV000188937.13), dbSNP rs776537364, ClinGen allele CA274156.

ClinVar aggregate classification (germline): Pathogenic/Likely pathogenic. Review status: criteria provided, multiple submitters, no conflicts (2 of 4 stars). 5 submissions from 5 submitters: Pathogenic (3); Likely pathogenic (1). 1 of the submissions does not count toward it. Last evaluated 2025-10-21.

Conditions:
Amelogenesis imperfecta type 1A. Also called: Amelogenesis imperfecta, type IA; AMELOGENESIS IMPERFECTA, HYPOPLASTIC TYPE IA; Amelogenesis imperfecta, hypoplastic type; Amelogenesis imperfecta local hypoplastic. Identifiers: Orphanet 88661, MedGen C4011403, MONDO:0007094, OMIM 104530.
Junctional epidermolysis bullosa gravis of Herlitz. Also called: EPIDERMOLYSIS BULLOSA JUNCTIONALIS, HERLITZ TYPE; EPIDERMOLYSIS BULLOSA, JUNCTIONAL, HERLITZ-PEARSON TYPE; JEB-HERLITZ TYPE; Herlitz-type junctional epidermolysis bullosa; EPIDERMOLYSIS BULLOSA, JUNCTIONAL 1B, SEVERE; Epidermolysis Bullosa Letalis. Identifiers: Orphanet 79404, MedGen C0079683, MONDO:0009182, OMIM 226700.
Junctional epidermolysis bullosa, non-Herlitz type. Also called: EPIDERMOLYSIS BULLOSA JUNCTIONALIS, DISENTIS TYPE; EPIDERMOLYSIS BULLOSA JUNCTIONALIS, NON-HERLITZ TYPE; EPIDERMOLYSIS BULLOSA JUNCTIONALIS, PROGRESSIVE; EPIDERMOLYSIS BULLOSA JUNCTIONALIS, SEVERE NONLETHAL; COL17A1-Related Junctional Epidermolysis Bullosa; Epidermolysis bullosa, junctional, non-herlitz type, somatic mosaic revertant. Identifiers: Orphanet 251393, Orphanet 79402, Orphanet 79405, Orphanet 89840, MedGen C0268374, MONDO:0009180, OMIM 226650.

Allele frequency attached by ClinVar (database versions not stated): ExAC 0.00002; gnomAD 0.00002; gnomAD exomes 0.00002 and 0.00004; TOPMed 0.00002.

Submissions (5):

Labcorp Genetics (formerly Invitae), Labcorp
Classification: Pathogenic. Last evaluated: 2025-10-21. Review status: criteria provided, single submitter. Criteria: Invitae Variant Classification Sherloc (09022015). Collection method: clinical testing. Allele origin: germline.
Comment: This sequence change creates a premature translational stop signal (p.Ser155Phefs*27) in the LAMB3 gene. It is expected to result in an absent or disrupted protein product. Loss-of-function variants in LAMB3 are known to be pathogenic (PMID: 11023379, 16473856). This variant is present in population databases (rs776537364, gnomAD 0.004%). This premature translational stop signal has been observed in individual(s) with junctional epidermolysis bullosa (PMID: 8824879, 11023379; internal data). In at least one individual the data is consistent with being in trans (on the opposite chromosome) from a pathogenic variant. ClinVar contains an entry for this variant (Variation ID: 188937). Algorithms developed to predict the effect of sequence changes on RNA splicing suggest that this variant may disrupt the consensus splice site. For these reasons, this variant has been classified as Pathogenic.

GeneDx
Classification: Pathogenic. Last evaluated: 2023-06-20. Review status: criteria provided, single submitter. Criteria: GeneDx Variant Classification Process June 2021. Collection method: clinical testing. Allele origin: germline. Affected: yes.
Comment: Frameshift variant predicted to result in protein truncation or nonsense mediated decay in a gene for which loss of function is a known mechanism of disease; Not observed at significant frequency in large population cohorts (gnomAD); This variant is associated with the following publications: (PMID: 9160387, 8824879, 11023379)

Fulgent Genetics
Classification: Pathogenic for Amelogenesis imperfecta type 1A; Junctional epidermolysis bullosa, non-Herlitz type; Junctional epidermolysis bullosa gravis of Herlitz. Last evaluated: 2022-03-21. Review status: criteria provided, single submitter. Criteria: ACMG Guidelines, 2015. Collection method: clinical testing. Allele origin: unknown.

Women's Health and Genetics/Laboratory Corporation of America, LabCorp
Classification: Likely pathogenic for Junctional epidermolysis bullosa gravis of Herlitz. Last evaluated: 2017-11-13. Review status: criteria provided, single submitter. Criteria: LabCorp Variant Classification Summary - May 2015. Collection method: clinical testing. Allele origin: germline.
Comment: Variant summary: The LAMB3 c.463dupT (p.Ser155PhefsX27) variant results in a premature termination codon, predicted to cause a truncated or absent LAMB3 protein due to nonsense mediated decay, which are commonly known mechanisms for disease. Truncations downstream of this position have been classified as pathogenic by our laboratory (e.g. c.1365_1366delCA, p.Asn456fsX7; c.1903C>T, p.Arg635X). One in silico tool predicts a damaging outcome for this variant. This variant was found in 4/246120 control chromosomes at a frequency of 0.0000163, which does not exceed the estimated maximal expected allele frequency of a pathogenic LAMB3 variant (0.0009317). The variant has been reported in at least 3 affected individuals in the literature. In addition, one clinical diagnostic laboratory/reputable database classified this variant as likely pathogenic. Taken together, this variant is classified as likely pathogenic.

Counsyl
Classification: Likely pathogenic for Junctional epidermolysis bullosa gravis of Herlitz. Last evaluated: 2014-08-25. Review status: no assertion criteria provided. Collection method: literature only. Allele origin: unknown. Inheritance: Autosomal recessive inheritance. Not counted in ClinVar's aggregate classification.

Literature cited by the submitters: PubMed 11023379 (cited by 3 submitters); PubMed 16473856 (cited by Labcorp Genetics (formerly Invitae), Labcorp); PubMed 8824879 (cited by 3 submitters); PubMed 9160387 (cited by Women's Health and Genetics/Laboratory Corporation of America, LabCorp and Counsyl).